The following is an entry in ClinVar:

NM_005228.5(EGFR):c.1131G>C (p.Arg377Ser)

Genes: EGFR (epidermal growth factor receptor; plus strand), LOC126860048 (P300/CBP strongly-dependent group 1 enhancer GRCh37_chr7:55223847-55225046; plus strand). Cytogenetic location: 7p11.2.
Variant type: single nucleotide variant.
Coding change: c.1131G>C on transcript NM_005228.5 (MANE Select); coding-DNA position 1131, G replaced by C.
Protein change: p.Arg377Ser; replaces arginine 377 with serine.
Molecular consequence: missense variant.
Genome position (GRCh38, 1-based): chr7:55,156,657, G>C. VCF-style: chr7-55156657-G-C. GRCh37 (hg19) VCF-style: chr7-55224350-G-C.
Other names: c.996G>C, p.Arg332Ser (NM_001346897.2, NM_001346899.2); c.1131G>C, p.Arg377Ser (NM_001346898.2, NM_201282.2, NM_201283.2 and 1 more transcripts); c.972G>C, p.Arg324Ser (NM_001346900.2); c.330G>C, p.Arg110Ser (NM_001346941.2); short protein forms R332S, R377S, R110S, R324S.
Identifiers: ClinVar variation 935599 (VCV000935599.10), dbSNP rs1785432794, ClinGen allele CA367578464.

ClinVar aggregate classification (germline): Uncertain significance (1 of 4 stars; one submission).

Conditions:
EGFR-related lung cancer (EGFR). Identifiers: MedGen CN130014.

Submission:

Labcorp Genetics (formerly Invitae), Labcorp
Classification: Uncertain significance for EGFR-related lung cancer. Last evaluated: 2019-08-03. Review status: criteria provided, single submitter. Criteria: Invitae Variant Classification Sherloc (09022015). Collection method: clinical testing. Allele origin: germline.
Comment: In summary, the available evidence is currently insufficient to determine the role of this variant in disease. Therefore, it has been classified as a Variant of Uncertain Significance. Algorithms developed to predict the effect of missense changes on protein structure and function (SIFT, PolyPhen-2, Align-GVGD) all suggest that this variant is likely to be tolerated, but these predictions have not been confirmed by published functional studies and their clinical significance is uncertain. This variant has not been reported in the literature in individuals with EGFR-related conditions. This variant is not present in population databases (ExAC no frequency). This sequence change replaces arginine with serine at codon 377 of the EGFR protein (p.Arg377Ser). The arginine residue is weakly conserved and there is a moderate physicochemical difference between arginine and serine.